The following is an entry in ClinVar:

NM_018027.5(FRMD4A):c.*2+6G>A

Genes: PRPF18 (pre-mRNA processing factor 18; plus strand), FRMD4A (FERM domain containing 4A; minus strand). Cytogenetic location: 10p13.
Variant type: single nucleotide variant.
Coding change: c.*2+6G>A on transcript NM_018027.5 (MANE Select); 6 bases into the intron after 2 bases downstream of the stop codon, G replaced by A.
Molecular consequence: intron variant.
Genome position (GRCh38, 1-based): chr10:13,651,897, C>T on the plus strand (G>A on the coding strand, the complement: FRMD4A is on the minus strand). VCF-style: chr10-13651897-C-T. GRCh37 (hg19) VCF-style: chr10-13693897-C-T.
Other names: c.*2+6G>A (NM_001318336.2, NM_001318337.2, NM_001318338.2).
Identifiers: ClinVar variation 3057736 (VCV003057736.2), dbSNP rs549188018, ClinGen allele CA5413806.

ClinVar aggregate classification (germline): Likely benign (0 of 4 stars; one submission).

Conditions:
FRMD4A-related disorder. Also called: FRMD4A-related condition.

Allele frequency attached by ClinVar (database versions not stated): ExAC 0.00002; TOPMed 0.00002; 1000 Genomes Project 30x 0.00016; 1000 Genomes Project 0.00020.
gnomAD v4.1: 14 of 1,484,776 alleles (0.00094%); highest among the groups gnomAD compares: African/African-American, 0.0041%; no homozygotes.

Submission:

PreventionGenetics, part of Exact Sciences
Classification: Likely benign for FRMD4A-related condition. Last evaluated: 2020-04-02. Review status: no assertion criteria provided. Collection method: clinical testing. Allele origin: germline.
Comment: This variant is classified as likely benign based on ACMG/AMP sequence variant interpretation guidelines (Richards et al. 2015 PMID: 25741868, with internal and published modifications).